The following is an entry in ClinVar:

ClinVar aggregate classification (germline): Uncertain significance (1 of 4 stars; one submission).

Allele frequency attached by ClinVar (database versions not stated): gnomAD exomes below 0.00001 and 0.00002; gnomAD 0.00001; ExAC 0.00002; TOPMed 0.00002.
gnomAD v4.1: 7 of 1,612,044 alleles (0.00043%); highest among the groups gnomAD compares: East Asian, 0.011%; no homozygotes.

Submission:

Labcorp Genetics (formerly Invitae), Labcorp
Classification: Uncertain significance. Last evaluated: 2021-03-09. Review status: criteria provided, single submitter. Criteria: Invitae Variant Classification Sherloc (09022015). Collection method: clinical testing. Allele origin: germline.
Comment: This sequence change replaces proline with serine at codon 564 of the PLOD3 protein (p.Pro564Ser). The proline residue is highly conserved and there is a moderate physicochemical difference between proline and serine. This variant is present in population databases (rs757518820, ExAC 0.02%). This variant has not been reported in the literature in individuals with PLOD3-related conditions. Algorithms developed to predict the effect of missense changes on protein structure and function are either unavailable or do not agree on the potential impact of this missense change (SIFT: "Deleterious"; PolyPhen-2: "Possibly Damaging"; Align-GVGD: "Class C0"). In summary, the available evidence is currently insufficient to determine the role of this variant in disease. Therefore, it has been classified as a Variant of Uncertain Significance.

NM_001084.5(PLOD3):c.1690C>T (p.Pro564Ser)

Gene: PLOD3 (procollagen-lysine,2-oxoglutarate 5-dioxygenase 3; minus strand). Cytogenetic location: 7q22.1.
Variant type: single nucleotide variant.
Coding change: c.1690C>T on transcript NM_001084.5 (MANE Select); coding-DNA position 1690, C replaced by T.
Protein change: p.Pro564Ser; replaces proline 564 with serine.
Molecular consequence: missense variant.
Genome position (GRCh38, 1-based): chr7:101,208,951, G>A on the plus strand (C>T on the coding strand, the complement: PLOD3 is on the minus strand). VCF-style: chr7-101208951-G-A. GRCh37 (hg19) VCF-style: chr7-100852232-G-A.
Other names: short protein forms P564S.
Identifiers: ClinVar variation 1465299 (VCV001465299.7), dbSNP rs757518820, ClinGen allele CA4407548.